The following is an entry in ClinVar:

ClinVar aggregate classification (germline): Pathogenic/Likely pathogenic. Review status: criteria provided, multiple submitters, no conflicts (2 of 4 stars). 8 submissions from 8 submitters: Pathogenic (6); Likely pathogenic (1). 1 of the submissions does not count toward it. Last evaluated 2026-07-02.

Conditions:
FG syndrome 4 (FGS4). Identifiers: MedGen C1845546, MONDO:0010318, OMIM 300422.
Intellectual disability, CASK-related, X-linked. Identifiers: MedGen CN043158.
Syndromic X-linked intellectual disability Najm type (MICPCH). Also called: Mental retardation and microcephaly with pontine and cerebellar hypoplasia; MENTAL RETARDATION, X-LINKED, SYNDROMIC, NAJM TYPE; Intellectual Disability and Microcephaly with Pontine and Cerebellar Hypoplasia; MICPCH SYNDROME; Intellectual developmental disorder and microcephaly with pontine and cerebellar hypoplasia; Intellectual Disability and Microcephaly with Pontine and Cerebellar Hypoplasia (MICPCH). Identifiers: Orphanet 163937, MedGen C2677903, MONDO:0010417, OMIM 300749.
Inborn genetic diseases. Identifiers: MedGen C0950123, MeSH D030342.

Submissions (8):

Ambry Genetics
Classification: Pathogenic for Inborn genetic diseases. Last evaluated: 2026-07-02. Review status: criteria provided, single submitter. Criteria: Ambry Variant Classification Scheme 2023. Collection method: clinical testing. Allele origin: germline.
Comment: The c.1837C>T (p.R613*) alteration, located in exon 20 (coding exon 20) of the CASK gene, consists of a C to T substitution at nucleotide position 1837. This changes the amino acid from an arginine (R) to a stop codon at amino acid position 613. This variant is expected to result in loss of function by premature protein truncation or nonsense-mediated mRNA decay. for CASK-related microcephaly with pontine and cerebellar hypoplasia. This variant was not reported in population-based cohorts in the Genome Aggregation Database (gnomAD). This variant has been reported as heterozygous and as hemizygous in individual(s) with features consistent with CASK-related microcephaly with pontine and cerebellar hypoplasia; in at least one individual, it was determined to be a de novo variant (de Kovel, 2016; Chemin, 2018; Ambry internal data). Based on the available evidence, this alteration is classified as pathogenic.

Victorian Clinical Genetics Services, Murdoch Childrens Research Institute
Classification: Pathogenic for FG syndrome 4. Last evaluated: 2025-07-14. Review status: criteria provided, single submitter. Criteria: ACMG Guidelines, 2015. Collection method: clinical testing. Allele origin: germline. Affected: yes.
Comment: This variant is classified as Pathogenic. Evidence in support of pathogenic classification: Variant is predicted to cause nonsense-mediated decay (NMD) and loss of protein (premature termination codon is located at least 54 nucleotides upstream of the final exon-exon junction); Variant is absent from gnomAD (v2, v3 and v4); This variant has strong previous evidence of pathogenicity in unrelated individuals. p.(Arg613*) has been classified as pathogenic and likely pathogenic by multiple clinical laboratories in Clinvar; Other NMD predicted variants comparable to the one identified in this case have very strong previous evidence for pathogenicity. Multiple NMD predicted variants have been reported as likely pathogenic or pathogenic in Clinvar; Additional information: This variant is heterozygous; This gene is associated with X-linked disease; Loss of function is a known mechanism of disease in this gene and is associated with intellectual developmental disorder, with or without nystagmus MIM#300422, intellectual developmental disorder and microcephaly with pontine and cerebellar hypoplasia MIM#300749 and FG syndrome 4 MIM#300422.

Labcorp Genetics (formerly Invitae), Labcorp
Classification: Pathogenic for Intellectual disability, CASK-related, X-linked. Last evaluated: 2024-01-24. Review status: criteria provided, single submitter. Criteria: Invitae Variant Classification Sherloc (09022015). Collection method: clinical testing. Allele origin: germline.
Comment: This sequence change creates a premature translational stop signal (p.Arg613*) in the CASK gene. It is expected to result in an absent or disrupted protein product. Loss-of-function variants in CASK are known to be pathogenic (PMID: 19165920, 20029458, 21954287, 22452838, 22709267). This variant is not present in population databases (gnomAD no frequency). This premature translational stop signal has been observed in individual(s) with clinical features of CASK-related conditions (PMID: 27652284, 29878067). In at least one individual the variant was observed to be de novo. This variant is also known as c.1768C>T (p.R584Ter). ClinVar contains an entry for this variant (Variation ID: 418109). For these reasons, this variant has been classified as Pathogenic.

GeneDx
Classification: Pathogenic. Last evaluated: 2023-03-10. Review status: criteria provided, single submitter. Criteria: GeneDx Variant Classification Process June 2021. Collection method: clinical testing. Allele origin: germline. Affected: yes.
Comment: Nonsense variant predicted to result in protein truncation or nonsense mediated decay in a gene for which loss of function is a known mechanism of disease; Not observed at significant frequency in large population cohorts (gnomAD); This variant is associated with the following publications: (PMID: 27652284, 28944139, 29878067)

Institute of Human Genetics, Clinical Exome/Genome Diagnostics Group, University Hospital Bonn
Classification: Likely pathogenic for Syndromic X-linked intellectual disability Najm type. Last evaluated: 2021-06-09. Review status: criteria provided, single submitter. Criteria: ACMG Guidelines, 2015. Collection method: clinical testing. Allele origin: germline. Affected: yes.
Comment: PVS1, PS4_moderate, PM2

Revvity Omics, Revvity
Classification: Pathogenic. Last evaluated: 2019-02-28. Review status: criteria provided, single submitter. Criteria: ACMG Guidelines, 2015. Collection method: clinical testing. Allele origin: germline.

Center of Genomic medicine, Geneva, University Hospital of Geneva
Classification: Pathogenic for Syndromic X-linked intellectual disability Najm type. Last evaluated: 2016-11-14. Review status: criteria provided, single submitter. Criteria: ACMG Guidelines, 2015. Collection method: clinical testing. Allele origin: de novo. Affected: yes.

Center of Excellence for Medical Genomics, Chulalongkorn University
Classification: Likely pathogenic for FG syndrome 4. Last evaluated: 2002-09-08. Review status: no assertion criteria provided. Collection method: research. Allele origin: maternal. Affected: yes. Not counted in ClinVar's aggregate classification.

Literature cited by the submitters: PubMed 27652284 (cited by Ambry Genetics and Labcorp Genetics (formerly Invitae), Labcorp); PubMed 29878067 (cited by Ambry Genetics and Labcorp Genetics (formerly Invitae), Labcorp); PubMed 19165920 (cited by Labcorp Genetics (formerly Invitae), Labcorp); PubMed 20029458 (cited by Labcorp Genetics (formerly Invitae), Labcorp); PubMed 21954287 (cited by Labcorp Genetics (formerly Invitae), Labcorp); PubMed 22452838 (cited by Labcorp Genetics (formerly Invitae), Labcorp); PubMed 22709267 (cited by Labcorp Genetics (formerly Invitae), Labcorp).

NM_001367721.1(CASK):c.1837C>T (p.Arg613Ter)

Gene: CASK (calcium/calmodulin dependent serine protein kinase; minus strand). Cytogenetic location: Xp11.4.
Variant type: single nucleotide variant.
Coding change: c.1837C>T on transcript NM_001367721.1 (MANE Select); coding-DNA position 1837, C replaced by T.
Protein change: p.Arg613Ter; replaces arginine 613 with a stop codon.
Molecular consequence: nonsense.
Genome position (GRCh38, 1-based): chrX:41,555,605, G>A on the plus strand (C>T on the coding strand, the complement: CASK is on the minus strand). VCF-style: chrX-41555605-G-A. GRCh37 (hg19) VCF-style: chrX-41414858-G-A.
Other names: c.1768C>T, p.Arg590Ter (NM_001126054.3); c.1750C>T, p.Arg584Ter (NM_001126055.3); c.1819C>T, p.Arg607Ter (NM_001410745.1); c.1837C>T, p.Arg613Ter (NM_003688.4); short protein forms R613*, R584*, R590*, R607*.
Identifiers: ClinVar variation 418109 (VCV000418109.18), dbSNP rs779508996, ClinGen allele CA16621400.